The following is an entry in ClinVar:

NM_144573.4(NEXN):c.1426G>A (p.Ala476Thr)

Gene: NEXN (nexilin F-actin binding protein; plus strand). Cytogenetic location: 1p31.1.
Variant type: single nucleotide variant.
Coding change: c.1426G>A on transcript NM_144573.4 (MANE Select); coding-DNA position 1426, G replaced by A.
Protein change: p.Ala476Thr; replaces alanine 476 with threonine.
Molecular consequence: missense variant.
Genome position (GRCh38, 1-based): chr1:77,935,997, G>A. VCF-style: chr1-77935997-G-A. GRCh37 (hg19) VCF-style: chr1-78401682-G-A.
Other names: c.1234G>A, p.Ala412Thr (NM_001172309.2); short protein forms A412T, A476T.
Identifiers: ClinVar variation 2498004 (VCV002498004.2), dbSNP rs1329703763, ClinGen allele CA340879339.
Genomic context (GRCh38, chr1:77,935,997, plus strand): 5'-GGACAGTTGTCTGAAAAAGAAATACAGAAAAAAATAGAAGAAGAGCGAGCAAGAAGGAGA[G>A]CAATTGACCTTGAAATTAAAGAGCGAGAAGCTGAAAATTTTCATGAGGTATATTACCTTT-3'
Protein context (NP_653174.3, residues 466-486): KIEEERARRR[Ala476Thr]IDLEIKEREA

ClinVar aggregate classification (germline): Uncertain significance. Review status: criteria provided, multiple submitters, no conflicts (2 of 4 stars). 2 submissions from 2 submitters: Uncertain significance (2). Last evaluated 2026-04-23.

Conditions:
Cardiovascular phenotype. Identifiers: MedGen CN230736.

Allele frequency attached by ClinVar (database versions not stated): gnomAD exomes below 0.00001; TOPMed 0.00001.

Submissions (2):

Ambry Genetics
Classification: Uncertain significance for Cardiovascular phenotype. Last evaluated: 2026-04-23. Review status: criteria provided, single submitter. Criteria: Ambry Variant Classification Scheme 2023. Collection method: clinical testing. Allele origin: germline.
Comment: The p.A476T variant (also known as c.1426G>A), located in coding exon 10 of the NEXN gene, results from a G to A substitution at nucleotide position 1426. The alanine at codon 476 is replaced by threonine, an amino acid with similar properties. This amino acid position is conserved. In addition, this alteration is predicted to be tolerated by in silico analysis. Based on the available evidence, the clinical significance of this variant remains unclear.

GeneDx
Classification: Uncertain significance. Last evaluated: 2022-10-04. Review status: criteria provided, single submitter. Criteria: GeneDx Variant Classification Process June 2021. Collection method: clinical testing. Allele origin: germline. Affected: yes.
Comment: Has not been previously published as pathogenic or benign to our knowledge; Not observed at significant frequency in large population cohorts (gnomAD); In silico analysis supports that this missense variant does not alter protein structure/function